The following is an entry in ClinVar:

ClinVar aggregate classification (germline): Likely benign. Review status: criteria provided, multiple submitters, no conflicts (2 of 4 stars). 2 submissions from 2 submitters: Likely benign (2). Last evaluated 2024-10-01.

Conditions:
Cardiovascular phenotype. Identifiers: MedGen CN230736.

Allele frequency attached by ClinVar (database versions not stated): gnomAD 0.00003; gnomAD exomes 0.00003; TOPMed 0.00003; ExAC 0.00010.
gnomAD v4.1: 53 of 1,605,512 alleles (0.0033%); highest among the groups gnomAD compares: Middle Eastern, 0.099%; no homozygotes.

Submissions (2):

CeGaT Center for Human Genetics Tuebingen
Classification: Likely benign. Last evaluated: 2024-10-01. Review status: criteria provided, single submitter. Criteria: CeGaT Center For Human Genetics Tuebingen Variant Classification Criteria Version 2. Collection method: clinical testing. Allele origin: germline. Affected: yes. Observed: 1 variant allele.
Comment: TNXB: BP4, BP7

Ambry Genetics
Classification: Likely benign for Cardiovascular phenotype. Last evaluated: 2023-07-26. Review status: criteria provided, single submitter. Criteria: Ambry Variant Classification Scheme 2023. Collection method: clinical testing. Allele origin: germline.

NM_001365276.2(TNXB):c.5592C>A (p.Gly1864=)

Gene: TNXB (tenascin XB; minus strand). Cytogenetic location: 6p21.33.
Variant type: single nucleotide variant.
Coding change: c.5592C>A on transcript NM_001365276.2 (MANE Select); coding-DNA position 5592, C replaced by A.
Protein change: p.Gly1864=; no amino-acid change (glycine 1864 retained).
Molecular consequence: synonymous variant.
Genome position (GRCh38, 1-based): chr6:32,069,132, G>T on the plus strand (C>A on the coding strand, the complement: TNXB is on the minus strand). VCF-style: chr6-32069132-G-T. GRCh37 (hg19) VCF-style: chr6-32036909-G-T.
Other names: c.5592C>A, p.Gly1864= (NM_019105.8).
Identifiers: ClinVar variation 2593634 (VCV002593634.16), dbSNP rs774784022, ClinGen allele CA3734652.